The following is an entry in ClinVar:

NM_025137.4(SPG11):c.4786A>G (p.Met1596Val)

Gene: SPG11 (SPG11 vesicle trafficking associated, spatacsin; minus strand). Cytogenetic location: 15q21.1.
Variant type: single nucleotide variant.
Coding change: c.4786A>G on transcript NM_025137.4 (MANE Select); coding-DNA position 4786, A replaced by G.
Protein change: p.Met1596Val; replaces methionine 1596 with valine.
Molecular consequence: missense variant.
Genome position (GRCh38, 1-based): chr15:44,589,372, T>C on the plus strand (A>G on the coding strand, the complement: SPG11 is on the minus strand). VCF-style: chr15-44589372-T-C. GRCh37 (hg19) VCF-style: chr15-44881570-T-C.
Other names: c.4786A>G, p.Met1596Val (NM_001160227.2); c.4786A>G (NM_025137.3); short protein forms M1596V.
Identifiers: ClinVar variation 1051536 (VCV001051536.9), dbSNP rs1316107379, ClinGen allele CA392224406.
Genomic context (GRCh38, chr15:44,589,372, plus strand): 5'-GGGTCTTACACTGCTGTAGCATAAGCTTCAAAAGGAAACACACCTGATCCTCCAGCCACA[T>C]GGCAGGGATGACAGGGTGGACCTTTGTGGCTGCTGTGTTAAGCTATGAAAGAAAAAGAGA-3'
Protein context (NP_079413.3, residues 1586-1606): ATKVHPVIPA[Met1596Val]WLEDQVCFLL

ClinVar aggregate classification (germline): Uncertain significance. Review status: criteria provided, multiple submitters, no conflicts (2 of 4 stars). 4 submissions from 4 submitters: Uncertain significance (4). Last evaluated 2026-05-18.

Conditions:
Hereditary spastic paraplegia 11. Also called: SPASTIC PARAPLEGIA, AUTOSOMAL RECESSIVE, COMPLICATED, WITH THIN CORPUS CALLOSUM; SPASTIC PARAPLEGIA, AUTOSOMAL RECESSIVE, WITH MENTAL IMPAIRMENT AND THIN CORPUS CALLOSUM; Spastic paraplegia, mental retardation and thin corpus callosum; Nakamura Osame syndrome; Autosomal recessive hereditary spastic paraplegia, mental impairment, and thin corpus callosum; Spastic Paraplegia 11. Identifiers: Orphanet 2822, MedGen C1858479, MONDO:0011445, OMIM 604360.
Inborn genetic diseases. Identifiers: MedGen C0950123, MeSH D030342.

Allele frequency attached by ClinVar (database versions not stated): gnomAD exomes below 0.00001; gnomAD 0.00001.

Submissions (4):

Women's Health and Genetics/Laboratory Corporation of America, LabCorp
Classification: Uncertain significance. Last evaluated: 2026-05-18. Review status: criteria provided, single submitter. Criteria: LabCorp Variant Classification Summary - May 2015. Collection method: clinical testing. Allele origin: germline.
Comment: Variant summary: SPG11 c.4786A>G (p.Met1596Val) results in a conservative amino acid change in the encoded protein sequence. Algorithms developed to predict the effect of missense changes on protein structure and function all suggest that this variant is likely to be tolerated. The variant allele was found at a frequency of 4e-06 in 251340 control chromosomes. The available data on variant occurrences in the general population are insufficient to allow any conclusion about variant significance. To our knowledge, no occurrence of c.4786A>G in individuals affected with SPG11-related conditions and no experimental evidence demonstrating its impact on protein function have been reported. ClinVar contains an entry for this variant (Variation ID: 1051536). Based on the evidence outlined above, the variant was classified as uncertain significance.

Ambry Genetics
Classification: Uncertain significance for Inborn genetic diseases. Last evaluated: 2025-08-25. Review status: criteria provided, single submitter. Criteria: Ambry Variant Classification Scheme 2023. Collection method: clinical testing. Allele origin: germline.

GeneDx
Classification: Uncertain significance. Last evaluated: 2024-01-13. Review status: criteria provided, single submitter. Criteria: GeneDx Variant Classification Process June 2021. Collection method: clinical testing. Allele origin: germline. Affected: yes.
Comment: Not observed at significant frequency in large population cohorts (gnomAD); In silico analysis supports that this missense variant does not alter protein structure/function; Has not been previously published as pathogenic or benign to our knowledge

Labcorp Genetics (formerly Invitae), Labcorp
Classification: Uncertain significance for Hereditary spastic paraplegia 11. Last evaluated: 2022-04-12. Review status: criteria provided, single submitter. Criteria: Invitae Variant Classification Sherloc (09022015). Collection method: clinical testing. Allele origin: germline.
Comment: This sequence change replaces methionine, which is neutral and non-polar, with valine, which is neutral and non-polar, at codon 1596 of the SPG11 protein (p.Met1596Val). This variant is not present in population databases (gnomAD no frequency). This variant has not been reported in the literature in individuals affected with SPG11-related conditions. ClinVar contains an entry for this variant (Variation ID: 1051536). Algorithms developed to predict the effect of missense changes on protein structure and function output the following: SIFT: "Tolerated"; PolyPhen-2: "Benign"; Align-GVGD: "Class C0". The valine amino acid residue is found in multiple mammalian species, which suggests that this missense change does not adversely affect protein function. In summary, the available evidence is currently insufficient to determine the role of this variant in disease. Therefore, it has been classified as a Variant of Uncertain Significance.